The following is an entry in ClinVar:

NM_006086.4(TUBB3):c.730G>T (p.Gly244Cys)

Gene: TUBB3 (tubulin beta 3 class III; plus strand). Cytogenetic location: 16q24.3.
Variant type: single nucleotide variant.
Coding change: c.730G>T on transcript NM_006086.4 (MANE Select); coding-DNA position 730, G replaced by T.
Protein change: p.Gly244Cys; replaces glycine 244 with cysteine.
Molecular consequence: missense variant.
Genome position (GRCh38, 1-based): chr16:89,935,181, G>T. VCF-style: chr16-89935181-G-T. GRCh37 (hg19) VCF-style: chr16-90001589-G-T.
Other names: c.514G>T, p.Gly172Cys (NM_001197181.2); short protein forms G172C, G244C.
Identifiers: ClinVar variation 989267 (VCV000989267.5), dbSNP rs2030410834, ClinGen allele CA397475212.

ClinVar aggregate classification (germline): Conflicting classifications of pathogenicity. Review status: criteria provided, conflicting classifications (1 of 4 stars). 2 submissions from 2 submitters: Likely pathogenic (1); Uncertain significance (1). Last evaluated 2019-05-20.

Conditions:
TUBB3-related tubulinopathy. Identifiers: MedGen CN322634, MONDO:0100154.

Submissions (2):

GeneDx
Classification: Uncertain significance. Last evaluated: 2019-05-20. Review status: criteria provided, single submitter. Criteria: GeneDx Variant Classification Process June 2021. Collection method: clinical testing. Allele origin: germline. Affected: yes.
Comment: Not observed in large population cohorts (Lek et al., 2016); The majority of missense variants in this gene are considered pathogenic [(Stenson et al., 2014; other references)]; In silico analysis, which includes protein predictors and evolutionary conservation, supports a deleterious effect; Has not been previously published as pathogenic or benign to our knowledge

Illumina Laboratory Services, Illumina
Classification: Likely pathogenic for TUBB3-related tubulinopathy. Last evaluated: 2019-04-23. Review status: criteria provided, single submitter. Criteria: ICSLVariantClassificationCriteria RUGD 01 April 2020. Collection method: clinical testing. Allele origin: unknown.
Comment: The TUBB3 c.730G>T (p.Gly244Cys) variant is a missense variant. A literature search was performed for the gene, cDNA change and amino acid change. No publications were found based on this search. This variant is not found in the Genome Aggregation Database in a region of good sequence coverage, so the variant is presumed to be rare. Based on the de novo nature of the variant and absence from population frequency databases, the p.Gly244Cys variant is classified as likely pathogenic TUBB3-related tubulinopathy.